The following is an entry in ClinVar:

NM_000264.5(PTCH1):c.1749C>A (p.Phe583Leu)

Genes: PTCH1 (patched 1; minus strand), LOC100507346 (uncharacterized LOC100507346; plus strand). Cytogenetic location: 9q22.32.
Variant type: single nucleotide variant.
Coding change: c.1749C>A on transcript NM_000264.5 (MANE Select); coding-DNA position 1749, C replaced by A.
Protein change: p.Phe583Leu; replaces phenylalanine 583 with leucine.
Molecular consequence: missense variant. On other transcripts: non-coding transcript variant (2).
Genome position (GRCh38, 1-based): chr9:95,469,911, G>T on the plus strand (C>A on the coding strand, the complement: PTCH1 is on the minus strand). VCF-style: chr9-95469911-G-T. GRCh37 (hg19) VCF-style: chr9-98232193-G-T.
Other names: c.1551C>A, p.Phe517Leu (NM_001083602.3); c.1746C>A, p.Phe582Leu (NM_001083603.3); c.1296C>A, p.Phe432Leu (NM_001083604.3, NM_001083605.3, NM_001083606.3 and 1 more transcripts); c.1593C>A, p.Phe531Leu (NM_001354918.2); short protein forms F582L, F432L, F531L, F583L, F517L.
Identifiers: ClinVar variation 4676268 (VCV004676268.1).

ClinVar aggregate classification (germline): Uncertain significance (1 of 4 stars; one submission).

Conditions:
Hereditary cancer-predisposing syndrome. Also called: Neoplastic Syndromes, Hereditary; Tumor predisposition; Hereditary Cancer Syndrome; Hereditary neoplastic syndrome. Identifiers: Orphanet 140162, MedGen C0027672, MeSH D009386, MONDO:0015356.

Submission:

Ambry Genetics
Classification: Uncertain significance for Hereditary cancer-predisposing syndrome. Last evaluated: 2025-12-12. Review status: criteria provided, single submitter. Criteria: Ambry Variant Classification Scheme 2023. Collection method: clinical testing. Allele origin: germline.
Comment: The p.F583L variant (also known as c.1749C>A), located in coding exon 13 of the PTCH1 gene, results from a C to A substitution at nucleotide position 1749. The phenylalanine at codon 583 is replaced by leucine, an amino acid with highly similar properties. This amino acid position is conserved. In addition, the in silico prediction for this alteration is inconclusive. Based on the available evidence, the clinical significance of this variant remains unclear.